The following is an entry in ClinVar:

ClinVar aggregate classification (germline): Uncertain significance. Review status: criteria provided, multiple submitters, no conflicts (2 of 4 stars). 3 submissions from 3 submitters: Uncertain significance (3). Last evaluated 2026-02-03.

Conditions:
Hereditary cancer-predisposing syndrome. Also called: Hereditary neoplastic syndrome; Hereditary Cancer Syndrome; Neoplastic Syndromes, Hereditary; Tumor predisposition. Identifiers: Orphanet 140162, MedGen C0027672, MeSH D009386, MONDO:0015356.
Familial cancer of breast. Also called: Hereditary breast cancer; BREAST CANCER, FAMILIAL; hereditary breast carcinoma. Identifiers: Orphanet 227535, MedGen C0346153, MONDO:0016419, OMIM 114480. Disease mechanism: loss of function.

Allele frequency attached by ClinVar (database versions not stated): TOPMed below 0.00001; gnomAD 0.00001.
gnomAD v4.1: 2 of 1,608,222 alleles (0.00012%); highest among the groups gnomAD compares: Non-Finnish European, 0.00017%; no homozygotes.

Submissions (3):

Labcorp Genetics (formerly Invitae), Labcorp
Classification: Uncertain significance for Familial cancer of breast. Last evaluated: 2026-02-03. Review status: criteria provided, single submitter. Criteria: Invitae Variant Classification Sherloc (09022015). Collection method: clinical testing. Allele origin: germline.
Comment: This sequence change replaces glycine, which is neutral and non-polar, with valine, which is neutral and non-polar, at codon 229 of the CHEK2 protein (p.Gly229Val). This variant is not present in population databases (gnomAD no frequency). This variant has not been reported in the literature in individuals affected with CHEK2-related conditions. ClinVar contains an entry for this variant (Variation ID: 230142). An algorithm developed to predict the effect of missense changes on protein structure and function (PolyPhen-2) suggests that this variant is likely to be disruptive. In summary, the available evidence is currently insufficient to determine the role of this variant in disease. Therefore, it has been classified as a Variant of Uncertain Significance.

Ambry Genetics
Classification: Uncertain significance for Hereditary cancer-predisposing syndrome. Last evaluated: 2025-02-10. Review status: criteria provided, single submitter. Criteria: Ambry Variant Classification Scheme 2023. Collection method: clinical testing. Allele origin: germline.
Comment: The p.G229V variant (also known as c.686G>T), located in coding exon 5 of the CHEK2 gene, results from a G to T substitution at nucleotide position 686. The glycine at codon 229 is replaced by valine, an amino acid with dissimilar properties. This variant was reported as functionally impaired in a study assessing CHEK2-complementation through quantification of KAP1 phosphorylation and CHK2 autophosphorylation in human RPE1-CHEK2-knockout cells (Stolarova L et al. Clin Cancer Res, 2023 Aug;29:3037-3050). This amino acid position is highly conserved in available vertebrate species. In addition, this alteration is predicted to be deleterious by in silico analysis. Based on the available evidence, the clinical significance of this variant remains unclear.

Color Diagnostics, LLC DBA Color Health
Classification: Uncertain significance for Hereditary cancer-predisposing syndrome. Last evaluated: 2021-07-14. Review status: criteria provided, single submitter. Criteria: ACMG Guidelines, 2015. Collection method: clinical testing. Allele origin: germline.
Comment: This missense variant replaces glycine with valine at codon 229 of the CHEK2 protein. Computational prediction suggests that this variant may have deleterious impact on protein structure and function (internally defined REVEL score threshold >= 0.7, PMID: 27666373). To our knowledge, functional studies have not been reported for this variant. This variant has not been reported in individuals affected with hereditary cancer in the literature. This variant has not been identified in the general population by the Genome Aggregation Database (gnomAD). The available evidence is insufficient to determine the role of this variant in disease conclusively. Therefore, this variant is classified as a Variant of Uncertain Significance.

Literature cited by the submitters: PubMed 37449874 (cited by Ambry Genetics).

NM_007194.4(CHEK2):c.686G>T (p.Gly229Val)

Gene: CHEK2 (checkpoint kinase 2; minus strand). Cytogenetic location: 22q12.1.
Variant type: single nucleotide variant.
Coding change: c.686G>T on transcript NM_007194.4 (MANE Select); coding-DNA position 686, G replaced by T.
Protein change: p.Gly229Val; replaces glycine 229 with valine.
Molecular consequence: missense variant.
Genome position (GRCh38, 1-based): chr22:28,712,015, C>A on the plus strand (G>T on the coding strand, the complement: CHEK2 is on the minus strand). VCF-style: chr22-28712015-C-A. GRCh37 (hg19) VCF-style: chr22-29108003-C-A.
Other names: c.815G>T, p.Gly272Val (NM_001005735.3); c.23G>T, p.Gly8Val (NM_001257387.3); c.485G>T, p.Gly162Val (NM_001349956.3); c.686G>T, p.Gly229Val (NM_145862.3); short protein forms G229V, G162V, G272V, G8V.
Identifiers: ClinVar variation 230142 (VCV000230142.30), dbSNP rs778212685, ClinGen allele CA10167902.